The following is an entry in ClinVar:

ClinVar aggregate classification (germline): Uncertain significance (1 of 4 stars; one submission).

Allele frequency attached by ClinVar (database versions not stated): gnomAD exomes below 0.00001; ExAC 0.00001.
gnomAD v4.1: 2 of 1,614,164 alleles (0.00012%); highest among the groups gnomAD compares: Admixed American, 0.0017%; no homozygotes.

Submission:

Labcorp Genetics (formerly Invitae), Labcorp
Classification: Uncertain significance. Last evaluated: 2023-07-26. Review status: criteria provided, single submitter. Criteria: Invitae Variant Classification Sherloc (09022015). Collection method: clinical testing. Allele origin: germline.
Comment: In summary, the available evidence is currently insufficient to determine the role of this variant in disease. Therefore, it has been classified as a Variant of Uncertain Significance. An algorithm developed to predict the effect of missense changes on protein structure and function (PolyPhen-2) suggests that this variant is likely to be disruptive. This variant has not been reported in the literature in individuals affected with DLL1-related conditions. This variant is present in population databases (rs775077676, gnomAD 0.003%). This sequence change replaces aspartic acid, which is acidic and polar, with asparagine, which is neutral and polar, at codon 715 of the DLL1 protein (p.Asp715Asn).

NM_005618.4(DLL1):c.2143G>A (p.Asp715Asn)

Genes: DLL1 (delta like canonical Notch ligand 1; minus strand), LOC126859913 (P300/CBP strongly-dependent group 1 enhancer GRCh37_chr6:170591232-170592431; plus strand). Cytogenetic location: 6q27.
Variant type: single nucleotide variant.
Coding change: c.2143G>A on transcript NM_005618.4 (MANE Select); coding-DNA position 2143, G replaced by A.
Protein change: p.Asp715Asn; replaces aspartic acid 715 with asparagine.
Molecular consequence: missense variant.
Genome position (GRCh38, 1-based): chr6:170,283,011, C>T on the plus strand (G>A on the coding strand, the complement: DLL1 is on the minus strand). VCF-style: chr6-170283011-C-T. GRCh37 (hg19) VCF-style: chr6-170592099-C-T.
Other names: short protein forms D715N.
Identifiers: ClinVar variation 2747068 (VCV002747068.3), dbSNP rs775077676, ClinGen allele CA4106605.